The following is an entry in ClinVar:

ClinVar aggregate classification (germline): Pathogenic (1 of 4 stars; one submission).

Conditions:
Coffin-Lowry syndrome (CLS). Also called: Mental retardation with osteocartilaginous abnormalities; COFFIN-LOWRY SYNDROME, MILD. Identifiers: Orphanet 192, MedGen C0265252, MONDO:0010561, OMIM 303600.

Submission:

Clinical Genetics Laboratory, Skane University Hospital Lund
Classification: Pathogenic for Coffin-Lowry syndrome. Last evaluated: 2024-08-26. Review status: criteria provided, single submitter. Criteria: ACMG Guidelines, 2015. Collection method: clinical testing. Allele origin: de novo. Inheritance: X-linked dominant inheritance. Affected: yes.
Comment: PVS1, PS2, PM2

NM_004586.3(RPS6KA3):c.829del (p.Thr276_Met277insTer)

Gene: RPS6KA3 (ribosomal protein S6 kinase A3; minus strand). Cytogenetic location: Xp22.12.
Variant type: Deletion.
Coding change: c.829del on transcript NM_004586.3 (MANE Select); coding-DNA position 829, one base deleted (A; older notation c.829delA).
Protein change: p.Thr276_Met277insTer.
Molecular consequence: nonsense.
Genome position (GRCh38, 1-based): chrX:20,186,312, T deleted on the plus strand (A on the coding strand, the reverse complement: RPS6KA3 is on the minus strand); the first of 2 consecutive T bases (chrX:20,186,312-20,186,313); deleting either gives the same sequence. VCF-style (leftmost placement, unchanged base first): chrX-20186311-AT-A. GRCh37 (hg19) VCF-style: chrX-20204429-AT-A.
Identifiers: ClinVar variation 3769605 (VCV003769605.1).